The following is an entry in ClinVar:

ClinVar aggregate classification (germline): Uncertain significance (1 of 4 stars; one submission).

Conditions:
Fanconi anemia (FA). Also called: Fanconi's anemia. Identifiers: Orphanet 84, MedGen C0015625, MeSH D005199, MONDO:0019391.

Submission:

Labcorp Genetics (formerly Invitae), Labcorp
Classification: Uncertain significance for Fanconi anemia. Last evaluated: 2023-03-08. Review status: criteria provided, single submitter. Criteria: Invitae Variant Classification Sherloc (09022015). Collection method: clinical testing. Allele origin: germline.
Comment: Algorithms developed to predict the effect of sequence changes on RNA splicing suggest that this variant may disrupt the consensus splice site. In summary, the available evidence is currently insufficient to determine the role of this variant in disease. Therefore, it has been classified as a Variant of Uncertain Significance. Algorithms developed to predict the effect of missense changes on protein structure and function output the following: SIFT: "Not Available"; PolyPhen-2: "Benign"; Align-GVGD: "Not Available". The glycine amino acid residue is found in multiple mammalian species, which suggests that this missense change does not adversely affect protein function. This variant has not been reported in the literature in individuals affected with FANCM-related conditions. This variant is not present in population databases (gnomAD no frequency). This sequence change replaces aspartic acid, which is acidic and polar, with glycine, which is neutral and non-polar, at codon 1943 of the FANCM protein (p.Asp1943Gly).

NM_020937.4(FANCM):c.5828A>G (p.Asp1943Gly)

Gene: FANCM (FA complementation group M; plus strand). Cytogenetic location: 14q21.2.
Variant type: single nucleotide variant.
Coding change: c.5828A>G on transcript NM_020937.4 (MANE Select); coding-DNA position 5828, A replaced by G.
Protein change: p.Asp1943Gly; replaces aspartic acid 1943 with glycine.
Molecular consequence: missense variant.
Genome position (GRCh38, 1-based): chr14:45,198,755, A>G. VCF-style: chr14-45198755-A-G. GRCh37 (hg19) VCF-style: chr14-45667958-A-G.
Other names: c.5750A>G, p.Asp1917Gly (NM_001308133.2); short protein forms D1917G, D1943G.
Identifiers: ClinVar variation 2839331 (VCV002839331.3), dbSNP rs2503280280, ClinGen allele CA389586961.
Genomic context (GRCh38, chr14:45,198,755, plus strand): 5'-CTACCTTAATTGGCGCTGGAATCCGAATTCTTTTCAGTTCCTGCCAAGAAGAAACCGCAG[A>G]TTTGCTAAAGGAACTGTCTTTAGTGGAACAAAGAAAGAATGTTGGTATTCATGTTCCAAC-3'
Protein context (NP_065988.1, residues 1933-1953): LFSSCQEETA[Asp1943Gly]LLKELSLVEQ